The following is an entry in ClinVar:

ClinVar aggregate classification (germline): Conflicting classifications of pathogenicity. Review status: criteria provided, conflicting classifications (1 of 4 stars). 4 submissions from 4 submitters: Uncertain significance (3); Likely benign (1). Last evaluated 2025-09-20.

Conditions:
Hereditary cancer-predisposing syndrome. Also called: Hereditary neoplastic syndrome; Hereditary Cancer Syndrome; Neoplastic Syndromes, Hereditary; Tumor predisposition. Identifiers: Orphanet 140162, MedGen C0027672, MeSH D009386, MONDO:0015356.
Familial adenomatous polyposis 1 (FAP1). Also called: FAMILIAL ADENOMATOUS POLYPOSIS 1, ATTENUATED; POLYPOSIS, ADENOMATOUS INTESTINAL. Identifiers: MedGen C2713442, MONDO:0021056, OMIM 175100. Disease mechanism: loss of function.

Allele frequency attached by ClinVar (database versions not stated): gnomAD exomes 0.00001; TOPMed 0.00002.
gnomAD v4.1: 1 of 1,601,742 alleles (0.000062%); highest among the groups gnomAD compares: East Asian, 0.0022%; no homozygotes.

Submissions (4):

Labcorp Genetics (formerly Invitae), Labcorp
Classification: Uncertain significance for Familial adenomatous polyposis 1. Last evaluated: 2025-09-20. Review status: criteria provided, single submitter. Criteria: Invitae Variant Classification Sherloc (09022015). Collection method: clinical testing. Allele origin: germline.
Comment: This sequence change replaces glutamine, which is neutral and polar, with histidine, which is basic and polar, at codon 2804 of the APC protein (p.Gln2804His). This variant is present in population databases (no rsID available, gnomAD 0.02%). This variant has not been reported in the literature in individuals affected with APC-related conditions. ClinVar contains an entry for this variant (Variation ID: 236656). Invitae Evidence Modeling of protein sequence and biophysical properties (such as structural, functional, and spatial information, amino acid conservation, physicochemical variation, residue mobility, and thermodynamic stability) indicates that this missense variant is not expected to disrupt APC protein function with a negative predictive value of 95%. In summary, the available evidence is currently insufficient to determine the role of this variant in disease. Therefore, it has been classified as a Variant of Uncertain Significance.

Color Diagnostics, LLC DBA Color Health
Classification: Uncertain significance for Hereditary cancer-predisposing syndrome. Last evaluated: 2025-08-12. Review status: criteria provided, single submitter. Criteria: ACMG Guidelines, 2015. Collection method: clinical testing. Allele origin: germline.
Comment: This missense variant replaces glutamine with histidine at codon 2804 of the APC protein. Computational prediction suggests that this variant may not impact protein structure and function. To our knowledge, functional studies have not been reported for this variant. This variant has been reported in 2 individuals with hereditary breast and ovarian cancer (PMID: 32068069). This variant has been identified in 3/238890 chromosomes in the general population by the Genome Aggregation Database (gnomAD). The available evidence is insufficient to determine the role of this variant in disease conclusively. Therefore, this variant is classified as a Variant of Uncertain Significance.

Quest Diagnostics Nichols Institute San Juan Capistrano
Classification: Uncertain significance. Last evaluated: 2024-03-18. Review status: criteria provided, single submitter. Criteria: Quest Diagnostics criteria. Collection method: clinical testing. Allele origin: unknown.
Comment: The APC c.8412G>T (p.Gln2804His) variant has been reported in the published literature in an individual with breast cancer (PMID: 32091409 (2020)). The frequency of this variant in the general population, 0.00021 (3/13978 chromosomes in Other East Asian subpopulation (Genome Aggregation Database)), is higher than would generally be expected for pathogenic variants in this gene. Analysis of this variant using bioinformatics tools for the prediction of the effect of amino acid changes on protein structure and function yielded predictions that this variant is damaging. Based on the available information, we are unable to determine the clinical significance of this variant.

Ambry Genetics
Classification: Likely benign for Hereditary cancer-predisposing syndrome. Last evaluated: 2023-03-08. Review status: criteria provided, single submitter. Criteria: Ambry Variant Classification Scheme 2023. Collection method: clinical testing. Allele origin: germline.

Literature cited by the submitters: PubMed 32068069 (cited by Color Diagnostics, LLC DBA Color Health); PubMed 32091409 (cited by Quest Diagnostics Nichols Institute San Juan Capistrano); PubMed 33042626 (cited by Quest Diagnostics Nichols Institute San Juan Capistrano).

NM_000038.6(APC):c.8412G>T (p.Gln2804His)

Gene: APC (APC regulator of Wnt signaling pathway; plus strand). Cytogenetic location: 5q22.2.
Variant type: single nucleotide variant.
Coding change: c.8412G>T on transcript NM_000038.6 (MANE Select); coding-DNA position 8412, G replaced by T.
Protein change: p.Gln2804His; replaces glutamine 2804 with histidine.
Molecular consequence: missense variant.
Genome position (GRCh38, 1-based): chr5:112,844,006, G>T. VCF-style: chr5-112844006-G-T. GRCh37 (hg19) VCF-style: chr5-112179703-G-T.
Other names: c.8412G>T, p.Gln2804His (NM_001127510.3, NM_001354895.2); c.8358G>T, p.Gln2786His (NM_001127511.3); c.8466G>T, p.Gln2822His (NM_001354896.2); c.8442G>T, p.Gln2814His (NM_001354897.2); c.8337G>T, p.Gln2779His (NM_001354898.2); c.8328G>T, p.Gln2776His (NM_001354899.2); c.8289G>T, p.Gln2763His (NM_001354900.2); c.8235G>T, p.Gln2745His (NM_001354901.2); and 5 more; short protein forms Q2786H, Q2804H, Q2776H, Q2703H, Q2745H, Q2814H, Q2822H, Q2521H.
Identifiers: ClinVar variation 236656 (VCV000236656.22), dbSNP rs878853476, ClinGen allele CA10582345.